The following is an entry in ClinVar:

NM_001267550.2(TTN):c.67636+11A>G

Genes: TTN (titin; minus strand), TTN-AS1 (TTN antisense RNA 1; plus strand), LOC126806423 (CDK7 strongly-dependent group 2 enhancer GRCh37_chr2:179443309-179444508; plus strand). Cytogenetic location: 2q31.2.
Variant type: single nucleotide variant.
Coding change: c.67636+11A>G on transcript NM_001267550.2 (MANE Select); 11 bases into the intron after coding-DNA position 67636, A replaced by G.
Molecular consequence: intron variant.
Genome position (GRCh38, 1-based): chr2:178,579,550, T>C on the plus strand (A>G on the coding strand, the complement: TTN is on the minus strand). VCF-style: chr2-178579550-T-C. GRCh37 (hg19) VCF-style: chr2-179444277-T-C.
Other names: c.62713+11A>G (NM_001256850.1); c.40441+11A>G (NM_003319.4); c.41017+11A>G (NM_133437.4); c.40816+11A>G (NM_133432.3); c.59932+11A>G (NM_133378.4).
Identifiers: ClinVar variation 516830 (VCV000516830.9), dbSNP rs185898410, ClinGen allele CA1991273.
Genomic context (GRCh38, chr2:178,579,550, plus strand): 5'-GTGAGTGGGACACAAGAGTGCACTTTCGATGACAATAAAGGAAAAATGAAGATGTGTGCA[T>C]AGAGCCTTACCAACATCATCCCTTGCCACAACAGTGATTTCGCTTGGGGTTCCTTCTCCA-3'

ClinVar aggregate classification (germline): Likely benign. Review status: criteria provided, multiple submitters, no conflicts (2 of 4 stars). 2 submissions from 2 submitters: Likely benign (2). Last evaluated 2025-12-31.

Conditions:
Dilated cardiomyopathy 1G (CMD1G). Identifiers: Orphanet 154, MedGen C1858763, MONDO:0011400, OMIM 604145.
Autosomal recessive limb-girdle muscular dystrophy type 2J (LGMDR10). Also called: Limb-girdle muscular dystrophy, type 2J; MUSCULAR DYSTROPHY, LIMB-GIRDLE, AUTOSOMAL RECESSIVE 10. Identifiers: Orphanet 140922, MedGen C1837342, MONDO:0012127, OMIM 608807.

Allele frequency attached by ClinVar (database versions not stated): gnomAD exomes 0.00001; ExAC 0.00002; TOPMed 0.00005; gnomAD 0.00006 and 0.00007; 1000 Genomes Project 30x 0.00016; 1000 Genomes Project 0.00020.
gnomAD v4.1: 26 of 1,612,632 alleles (0.0016%); highest among the groups gnomAD compares: African/African-American, 0.031%; no homozygotes.

Submissions (2):

Labcorp Genetics (formerly Invitae), Labcorp
Classification: Likely benign for Dilated cardiomyopathy 1G; Autosomal recessive limb-girdle muscular dystrophy type 2J. Last evaluated: 2025-12-31. Review status: criteria provided, single submitter. Criteria: Invitae Variant Classification Sherloc (09022015). Collection method: clinical testing. Allele origin: germline.

GeneDx
Classification: Likely benign. Last evaluated: 2017-05-16. Review status: criteria provided, single submitter. Criteria: GeneDx Variant Classification (06012015). Collection method: clinical testing. Allele origin: germline. Affected: yes.
Comment: This variant is considered likely benign or benign based on one or more of the following criteria: it is a conservative change, it occurs at a poorly conserved position in the protein, it is predicted to be benign by multiple in silico algorithms, and/or has population frequency not consistent with disease.